The following is an entry in ClinVar:

NM_001379286.1(ZNF423):c.2563C>G (p.Pro855Ala)

Gene: ZNF423 (zinc finger protein 423; minus strand). Cytogenetic location: 16q12.1.
Variant type: single nucleotide variant.
Coding change: c.2563C>G on transcript NM_001379286.1 (MANE Select); coding-DNA position 2563, C replaced by G.
Protein change: p.Pro855Ala; replaces proline 855 with alanine.
Molecular consequence: missense variant.
Genome position (GRCh38, 1-based): chr16:49,636,613, G>C on the plus strand (C>G on the coding strand, the complement: ZNF423 is on the minus strand). VCF-style: chr16-49636613-G-C. GRCh37 (hg19) VCF-style: chr16-49670524-G-C.
Other names: c.2359C>G, p.Pro787Ala (NM_001271620.2); c.2188C>G, p.Pro730Ala (NM_001330533.2); c.2539C>G, p.Pro847Ala (NM_015069.5); short protein forms P855A, P730A, P847A, P787A.
Identifiers: ClinVar variation 2122778 (VCV002122778.4), dbSNP rs2506987988, ClinGen allele CA395842478.

ClinVar aggregate classification (germline): Uncertain significance (1 of 4 stars; one submission).

Conditions:
Nephronophthisis 14 (NPHP14). Identifiers: Orphanet 2318, MedGen C3539071, MONDO:0013916, OMIM 614844.

Submission:

Labcorp Genetics (formerly Invitae), Labcorp
Classification: Uncertain significance for Nephronophthisis 14. Last evaluated: 2022-04-07. Review status: criteria provided, single submitter. Criteria: Invitae Variant Classification Sherloc (09022015). Collection method: clinical testing. Allele origin: germline.
Comment: Algorithms developed to predict the effect of missense changes on protein structure and function (SIFT, PolyPhen-2, Align-GVGD) all suggest that this variant is likely to be tolerated. This variant has not been reported in the literature in individuals affected with ZNF423-related conditions. This variant is not present in population databases (gnomAD no frequency). This sequence change replaces proline, which is neutral and non-polar, with alanine, which is neutral and non-polar, at codon 847 of the ZNF423 protein (p.Pro847Ala). In summary, the available evidence is currently insufficient to determine the role of this variant in disease. Therefore, it has been classified as a Variant of Uncertain Significance.